The following is an entry in ClinVar:

ClinVar aggregate classification (germline): Uncertain significance (1 of 4 stars; one submission).

Allele frequency attached by ClinVar (database versions not stated): gnomAD exomes 0.00001.
gnomAD v4.1: 3 of 1,374,098 alleles (0.00022%); highest among the groups gnomAD compares: South Asian, 0.0013%; no homozygotes.

Submission:

Labcorp Genetics (formerly Invitae), Labcorp
Classification: Uncertain significance. Last evaluated: 2023-12-17. Review status: criteria provided, single submitter. Criteria: Invitae Variant Classification Sherloc (09022015). Collection method: clinical testing. Allele origin: germline.
Comment: This sequence change falls in intron 1 of the KLF11 gene. It does not directly change the encoded amino acid sequence of the KLF11 protein. The frequency data for this variant in the population databases is considered unreliable, as metrics indicate poor data quality at this position in the gnomAD database. This variant has not been reported in the literature in individuals affected with KLF11-related conditions. Algorithms developed to predict the effect of sequence changes on RNA splicing suggest that this variant may create or strengthen a splice site. In summary, the available evidence is currently insufficient to determine the role of this variant in disease. Therefore, it has been classified as a Variant of Uncertain Significance.

NM_003597.5(KLF11):c.42+10G>A

Gene: KLF11 (KLF transcription factor 11; plus strand). Cytogenetic location: 2p25.1.
Variant type: single nucleotide variant.
Coding change: c.42+10G>A on transcript NM_003597.5 (MANE Select); 10 bases into the intron after coding-DNA position 42, G replaced by A.
Molecular consequence: intron variant.
Genome position (GRCh38, 1-based): chr2:10,043,768, G>A. VCF-style: chr2-10043768-G-A. GRCh37 (hg19) VCF-style: chr2-10183895-G-A.
Identifiers: ClinVar variation 2991536 (VCV002991536.3), dbSNP rs1235781203, ClinGen allele CA530515787.